The following is an entry in ClinVar:

ClinVar aggregate classification (germline): Uncertain significance. Review status: criteria provided, multiple submitters, no conflicts (2 of 4 stars). 2 submissions from 2 submitters: Uncertain significance (2). Last evaluated 2023-10-15.

Conditions:
Inborn genetic diseases. Identifiers: MedGen C0950123, MeSH D030342.
Familial hemiplegic migraine. Identifiers: MedGen C0338484, MONDO:0000700.

Allele frequency attached by ClinVar (database versions not stated): gnomAD exomes below 0.00001; TOPMed 0.00001.
gnomAD v4.1: 3 of 1,614,166 alleles (0.00019%); highest among the groups gnomAD compares: Non-Finnish European, 0.00025%; no homozygotes.

Submissions (2):

Labcorp Genetics (formerly Invitae), Labcorp
Classification: Uncertain significance for Familial hemiplegic migraine. Last evaluated: 2023-10-15. Review status: criteria provided, single submitter. Criteria: Invitae Variant Classification Sherloc (09022015). Collection method: clinical testing. Allele origin: germline.
Comment: This sequence change replaces alanine, which is neutral and non-polar, with valine, which is neutral and non-polar, at codon 960 of the ATP1A2 protein (p.Ala960Val). This variant is not present in population databases (gnomAD no frequency). This variant has not been reported in the literature in individuals affected with ATP1A2-related conditions. ClinVar contains an entry for this variant (Variation ID: 2333070). Advanced modeling of protein sequence and biophysical properties (such as structural, functional, and spatial information, amino acid conservation, physicochemical variation, residue mobility, and thermodynamic stability) performed at Invitae indicates that this missense variant is not expected to disrupt ATP1A2 protein function. In summary, the available evidence is currently insufficient to determine the role of this variant in disease. Therefore, it has been classified as a Variant of Uncertain Significance.

Ambry Genetics
Classification: Uncertain significance for Inborn genetic diseases. Last evaluated: 2022-12-21. Review status: criteria provided, single submitter. Criteria: Ambry Variant Classification Scheme 2023. Collection method: clinical testing. Allele origin: germline.

NM_000702.4(ATP1A2):c.2879C>T (p.Ala960Val)

Gene: ATP1A2 (ATPase Na+/K+ transporting subunit alpha 2; plus strand). Cytogenetic location: 1q23.2.
Variant type: single nucleotide variant.
Coding change: c.2879C>T on transcript NM_000702.4 (MANE Select); coding-DNA position 2879, C replaced by T.
Protein change: p.Ala960Val; replaces alanine 960 with valine.
Molecular consequence: missense variant.
Genome position (GRCh38, 1-based): chr1:160,139,678, C>T. VCF-style: chr1-160139678-C-T. GRCh37 (hg19) VCF-style: chr1-160109468-C-T.
Other names: short protein forms A960V.
Identifiers: ClinVar variation 2333070 (VCV002333070.5), dbSNP rs867252510, ClinGen allele CA343255199.